The following is an entry in ClinVar:

ClinVar aggregate classification (germline): Conflicting classifications of pathogenicity. Review status: criteria provided, conflicting classifications (1 of 4 stars). 6 submissions from 6 submitters: Uncertain significance (4); Likely benign (2). Last evaluated 2026-02-04.

Conditions:
Mucopolysaccharidosis, MPS-IV-A (MPS4A). Also called: Morquio syndrome A, mild; MORQUIO SYNDROME A; GALACTOSAMINE-6-SULFATASE DEFICIENCY; GALNS DEFICIENCY; MPS IVA; Mucopolysaccharidosis Type IVA. Identifiers: Orphanet 309297, Orphanet 582, MedGen C0086651, MONDO:0009659, OMIM 253000.

Allele frequency attached by ClinVar (database versions not stated): 1000 Genomes Project 0.00020; 1000 Genomes Project 30x 0.00062; gnomAD 0.00090 and 0.00093; TOPMed 0.00091; gnomAD exomes 0.00092 and 0.00153; ExAC 0.00100; ESP Exome Variant Server 0.00123.
gnomAD v4.1: 2,390 of 1,611,568 alleles (0.15%); highest among the groups gnomAD compares: Non-Finnish European, 0.18%; 7 homozygotes.

Submissions (6):

Labcorp Genetics (formerly Invitae), Labcorp
Classification: Likely benign for Mucopolysaccharidosis, MPS-IV-A. Last evaluated: 2026-02-04. Review status: criteria provided, single submitter. Criteria: Invitae Variant Classification Sherloc (09022015). Collection method: clinical testing. Allele origin: germline.

Women's Health and Genetics/Laboratory Corporation of America, LabCorp
Classification: Uncertain significance. Last evaluated: 2025-11-17. Review status: criteria provided, single submitter. Criteria: LabCorp Variant Classification Summary - May 2015. Collection method: clinical testing. Allele origin: germline.
Comment: Variant summary: GALNS c.1247T>C (p.Ile416Thr) results in a non-conservative amino acid change in the encoded protein sequence. Algorithms developed to predict the effect of missense changes on protein structure and function are either unavailable or do not agree on the potential impact of this missense change. The variant allele was found at a frequency of 0.00092 in 249798 control chromosomes in the gnomAD database, including 3 homozygotes. This frequency is not significantly higher than estimated for disease-causing variants in GALNS, allowing no conclusion about variant significance. c.1247T>C has been reported in the literature in a homozygous individual affected with Mucopolysaccharidosis Type IVA (Morquio Syndrome A) (Morrone_2014). These data indicate that the variant may be associated with disease. To our knowledge, no experimental evidence demonstrating an impact on protein function has been reported. The following publications have been ascertained in the context of this evaluation (PMID: 24726177, 29140481). ClinVar contains an entry for this variant (Variation ID: 321191). Based on the evidence outlined above, the variant was classified as uncertain significance.

Blueprint Genetics
Classification: Uncertain significance. Last evaluated: 2024-11-19. Review status: criteria provided, single submitter. Criteria: ACMG Guidelines, 2015. Collection method: clinical testing. Allele origin: germline.

Mayo Clinic Laboratories, Mayo Clinic
Classification: Uncertain significance. Last evaluated: 2023-02-07. Review status: criteria provided, single submitter. Criteria: ACMG Guidelines, 2015. Collection method: clinical testing. Allele origin: germline. Observed: 1 variant allele.

Genome-Nilou Lab
Classification: Likely benign for Mucopolysaccharidosis, MPS-IV-A. Last evaluated: 2021-11-07. Review status: criteria provided, single submitter. Criteria: ACMG Guidelines, 2015. Collection method: clinical testing. Allele origin: germline. Affected: no.

Laboratory of Diagnosis and Therapy of Lysosomal Disorders, University of Padova
Classification: Uncertain significance for Mucopolysaccharidosis, MPS-IV-A. Last evaluated: 2021-02-01. Review status: criteria provided, single submitter. Criteria: ACMG Guidelines, 2015. Collection method: curation. Allele origin: germline. Affected: yes.
Comment: In vivo functional studies supportive of a damaging effect on the gene product (low to null enzymatic activity in homozygotes; PS3_supporting)

Literature cited by the submitters: PubMed 24726177 (cited by 3 submitters); PubMed 29140481 (cited by Women's Health and Genetics/Laboratory Corporation of America, LabCorp); PubMed 34387910 (cited by Mayo Clinic Laboratories, Mayo Clinic and Laboratory of Diagnosis and Therapy of Lysosomal Disorders, University of Padova); PubMed 34426522 (cited by Mayo Clinic Laboratories, Mayo Clinic).

NM_000512.5(GALNS):c.1247T>C (p.Ile416Thr)

Gene: GALNS (galactosamine (N-acetyl)-6-sulfatase; minus strand). Cytogenetic location: 16q24.3.
Variant type: single nucleotide variant.
Coding change: c.1247T>C on transcript NM_000512.5 (MANE Select); coding-DNA position 1247, T replaced by C.
Protein change: p.Ile416Thr; replaces isoleucine 416 with threonine.
Molecular consequence: missense variant.
Genome position (GRCh38, 1-based): chr16:88,822,706, A>G on the plus strand (T>C on the coding strand, the complement: GALNS is on the minus strand). VCF-style: chr16-88822706-A-G. GRCh37 (hg19) VCF-style: chr16-88889114-A-G.
Other names: c.692T>C, p.Ile231Thr (NM_001323543.2); c.1265T>C, p.Ile422Thr (NM_001323544.2); short protein forms I416T, I231T, I422T.
Identifiers: ClinVar variation 321191 (VCV000321191.26), dbSNP rs142822371, ClinGen allele CA8234741.